The following is an entry in ClinVar:

NM_000245.4(MET):c.2102+8_2102+22del

Gene: MET (MET proto-oncogene, receptor tyrosine kinase; plus strand). Cytogenetic location: 7q31.2.
Variant type: Deletion.
Coding change: c.2102+8_2102+22del on transcript NM_000245.4 (MANE Select); bases 8 to 22 of the intron after coding-DNA position 2102, 15 bases deleted (AAATTTATTTTTTGT).
Molecular consequence: intron variant.
Genome position (GRCh38, 1-based): chr7:116,757,782-116,757,796, AAATTTATTTTTTGT deleted; deleting any 15 consecutive bases within chr7:116,757,778-116,757,796 gives the same sequence; the c. name uses the placement nearest the transcript's 3' end. VCF-style (leftmost placement, unchanged base first): chr7-116757777-GTTGTAAATTTATTTT-G. GRCh37 (hg19) VCF-style: chr7-116397831-GTTGTAAATTTATTTT-G.
Other names: c.2102+8_2102+22del (NM_001127500.3, NM_001324401.3); c.812+8_812+22del (NM_001324402.2).
Identifiers: ClinVar variation 3773241 (VCV003773241.1).

ClinVar aggregate classification (germline): Likely benign (1 of 4 stars; one submission).

Conditions:
Papillary renal cell carcinoma type 1 (RCCP1). Also called: Renal adenocarcinoma; Renal cell carcinoma 1; Renal cell carcinoma, somatic; RENAL CELL CARCINOMA, PAPILLARY, 1, SOMATIC. Identifiers: Orphanet 47044, MedGen C1336839, OMIM 605074, HP:0011797.

Submission:

Myriad Genetics, Inc.
Classification: Likely benign for Papillary renal cell carcinoma type 1. Last evaluated: 2024-11-08. Review status: criteria provided, single submitter. Criteria: Myriad Autosomal Dominant, Autosomal Recessive and X-Linked Classification Criteria (2023). Collection method: clinical testing. Allele origin: unknown.
Comment: This variant is considered likely benign. This variant is intronic and is not expected to impact mRNA splicing.